The following is an entry in ClinVar:

NM_006231.4(POLE):c.4728+2dup

Gene: POLE (DNA polymerase epsilon, catalytic subunit; minus strand). Cytogenetic location: 12q24.33.
Variant type: Duplication.
Coding change: c.4728+2dup on transcript NM_006231.4 (MANE Select); the canonical splice donor site of the intron after coding-DNA position 4728, one base duplicated (T; older notation c.4728+2dupT).
Molecular consequence: splice donor variant.
Genome position (GRCh38, 1-based): chr12:132,642,818, A duplicated on the plus strand (T on the coding strand, the reverse complement: POLE is on the minus strand). VCF-style (leftmost placement, unchanged base first): chr12-132642817-C-CA. GRCh37 (hg19) VCF-style: chr12-133219403-C-CA.
Identifiers: ClinVar variation 4088246 (VCV004088246.1).

ClinVar aggregate classification (germline): Uncertain significance (1 of 4 stars; one submission).

Submission:

GeneDx
Classification: Uncertain significance. Last evaluated: 2025-03-25. Review status: criteria provided, single submitter. Criteria: GeneDx Variant Classification Process June 2021. Collection method: clinical testing. Allele origin: germline. Affected: yes.
Comment: Canonical splice site variant with an unclear effect on protein function; Not observed at significant frequency in large population cohorts (gnomAD); Has not been previously published as pathogenic or benign to our knowledge